The following is an entry in ClinVar:

NM_031885.5(BBS2):c.1621G>C (p.Gly541Arg)

Gene: BBS2 (Bardet-Biedl syndrome 2; minus strand). Cytogenetic location: 16q13.
Variant type: single nucleotide variant.
Coding change: c.1621G>C on transcript NM_031885.5 (MANE Select); coding-DNA position 1621, G replaced by C.
Protein change: p.Gly541Arg; replaces glycine 541 with arginine.
Molecular consequence: missense variant. On other transcripts: non-coding transcript variant (5).
Genome position (GRCh38, 1-based): chr16:56,498,475, C>G on the plus strand (G>C on the coding strand, the complement: BBS2 is on the minus strand). VCF-style: chr16-56498475-C-G. GRCh37 (hg19) VCF-style: chr16-56532387-C-G.
Other names: c.1621G>C, p.Gly541Arg (NM_001377456.1); short protein forms G541R.
Identifiers: ClinVar variation 3347798 (VCV003347798.1).

ClinVar aggregate classification (germline): Uncertain significance (0 of 4 stars; one submission).

Conditions:
BBS2-related disorder. Also called: BBS2-related disorders; BBS2-related condition. Identifiers: MedGen CN239228.

Submission:

PreventionGenetics, part of Exact Sciences
Classification: Uncertain significance for BBS2-related condition. Last evaluated: 2024-05-14. Review status: no assertion criteria provided. Collection method: clinical testing. Allele origin: germline.
Comment: The BBS2 c.1621G>C variant is predicted to result in the amino acid substitution p.Gly541Arg. To our knowledge, this variant has not been reported in the literature or in a large population database, indicating this variant is rare. At this time, the clinical significance of this variant is uncertain due to the absence of conclusive functional and genetic evidence.